The following is an entry in ClinVar:

ClinVar aggregate classification (germline): Uncertain significance (1 of 4 stars; one submission).

Conditions:
Hereditary cancer-predisposing syndrome. Also called: Tumor predisposition; Hereditary Cancer Syndrome; Hereditary neoplastic syndrome; Neoplastic Syndromes, Hereditary. Identifiers: Orphanet 140162, MedGen C0027672, MeSH D009386, MONDO:0015356.

Allele frequency attached by ClinVar (database versions not stated): gnomAD exomes below 0.00001.
gnomAD v4.1: 1 of 1,613,110 alleles (0.000062%); highest among the groups gnomAD compares: Non-Finnish European, 0.000085%; no homozygotes.

Submission:

Ambry Genetics
Classification: Uncertain significance for Hereditary cancer-predisposing syndrome. Last evaluated: 2023-08-29. Review status: criteria provided, single submitter. Criteria: Ambry Variant Classification Scheme 2023. Collection method: clinical testing. Allele origin: germline.
Comment: The p.S969R variant (also known as c.2907C>G), located in coding exon 25 of the TSC2 gene, results from a C to G substitution at nucleotide position 2907. The serine at codon 969 is replaced by arginine, an amino acid with dissimilar properties. This amino acid position is conserved. In addition, the in silico prediction for this alteration is inconclusive. Since supporting evidence is limited at this time, the clinical significance of this alteration remains unclear.

NM_000548.5(TSC2):c.2907C>G (p.Ser969Arg)

Gene: TSC2 (TSC complex subunit 2; plus strand). Cytogenetic location: 16p13.3.
Variant type: single nucleotide variant.
Coding change: c.2907C>G on transcript NM_000548.5 (MANE Select); coding-DNA position 2907, C replaced by G.
Protein change: p.Ser969Arg; replaces serine 969 with arginine.
Molecular consequence: missense variant. On other transcripts: intron variant (31).
Genome position (GRCh38, 1-based): chr16:2,077,667, C>G. VCF-style: chr16-2077667-C-G. GRCh37 (hg19) VCF-style: chr16-2127668-C-G.
Other names: c.2907C>G, p.Ser969Arg (NM_001114382.3, NM_001406663.1, NM_001406664.1); c.2796C>G, p.Ser932Arg (NM_001406670.1); c.2760C>G, p.Ser920Arg (NM_001406675.1, NM_001406676.1); c.2307C>G, p.Ser769Arg (NM_001406680.1, NM_001406682.1, NM_001406683.1 and 1 more transcripts); c.1563C>G, p.Ser521Arg (NM_001406689.1); c.1493+1082C>G (NM_001406693.1, NM_001406690.1, NM_001406692.1 and 5 more transcripts); c.2927+1082C>G (NM_001406667.1, NM_001406668.1); c.2237+1082C>G (NM_001406687.1, NM_001406685.1, NM_001318831.2 and 2 more transcripts); and 8 more; short protein forms S521R, S969R, S769R, S920R, S932R.
Identifiers: ClinVar variation 2587758 (VCV002587758.2), dbSNP rs1596375110, ClinGen allele CA394281223.